The following is an entry in ClinVar:

ClinVar aggregate classification (germline): Uncertain significance (1 of 4 stars; one submission).

Allele frequency attached by ClinVar (database versions not stated): TOPMed below 0.00001.

Submission:

GeneDx
Classification: Uncertain significance. Last evaluated: 2022-06-30. Review status: criteria provided, single submitter. Criteria: GeneDx Variant Classification Process June 2021. Collection method: clinical testing. Allele origin: germline. Affected: yes.
Comment: Not observed at significant frequency in large population cohorts (gnomAD); In silico analysis supports that this missense variant has a deleterious effect on protein structure/function; Has not been previously published as pathogenic or benign to our knowledge

NM_030665.4(RAI1):c.1107C>G (p.Asn369Lys)

Gene: RAI1 (retinoic acid induced 1; plus strand). Cytogenetic location: 17p11.2.
Variant type: single nucleotide variant.
Coding change: c.1107C>G on transcript NM_030665.4 (MANE Select); coding-DNA position 1107, C replaced by G.
Protein change: p.Asn369Lys; replaces asparagine 369 with lysine.
Molecular consequence: missense variant.
Genome position (GRCh38, 1-based): chr17:17,794,055, C>G. VCF-style: chr17-17794055-C-G. GRCh37 (hg19) VCF-style: chr17-17697369-C-G.
Other names: short protein forms N369K.
Identifiers: ClinVar variation 1809953 (VCV001809953.1), dbSNP rs2032134010, ClinGen allele CA398546903.